The following is an entry in ClinVar:

NM_013432.5(TONSL):c.1791A>C (p.Glu597Asp)

Genes: TONSL-AS1 (TONSL antisense RNA 1; plus strand), TONSL (tonsoku like, DNA repair protein; minus strand). Cytogenetic location: 8q24.3.
Variant type: single nucleotide variant.
Coding change: c.1791A>C on transcript NM_013432.5 (MANE Select); coding-DNA position 1791, A replaced by C.
Protein change: p.Glu597Asp; replaces glutamic acid 597 with aspartic acid.
Molecular consequence: missense variant. On other transcripts: non-coding transcript variant (1).
Genome position (GRCh38, 1-based): chr8:144,436,856, T>G on the plus strand (A>C on the coding strand, the complement: TONSL is on the minus strand). VCF-style: chr8-144436856-T-G. GRCh37 (hg19) VCF-style: chr8-145662239-T-G.
Other names: short protein forms E597D.
Identifiers: ClinVar variation 1512052 (VCV001512052.8), dbSNP rs2129649008, ClinGen allele CA372661811.

ClinVar aggregate classification (germline): Uncertain significance (1 of 4 stars; one submission).

Submission:

Labcorp Genetics (formerly Invitae), Labcorp
Classification: Uncertain significance. Last evaluated: 2022-06-20. Review status: criteria provided, single submitter. Criteria: Invitae Variant Classification Sherloc (09022015). Collection method: clinical testing. Allele origin: germline.
Comment: In summary, the available evidence is currently insufficient to determine the role of this variant in disease. Therefore, it has been classified as a Variant of Uncertain Significance. Algorithms developed to predict the effect of missense changes on protein structure and function output the following: SIFT: "Tolerated"; PolyPhen-2: "Benign"; Align-GVGD: "Class C0". The aspartic acid amino acid residue is found in multiple mammalian species, which suggests that this missense change does not adversely affect protein function. This variant has not been reported in the literature in individuals affected with TONSL-related conditions. This variant is not present in population databases (gnomAD no frequency). This sequence change replaces glutamic acid, which is acidic and polar, with aspartic acid, which is acidic and polar, at codon 597 of the TONSL protein (p.Glu597Asp).